The following is an entry in ClinVar:

NM_001111.5(ADAR):c.1785+3A>G

Gene: ADAR (adenosine deaminase RNA specific; minus strand). Cytogenetic location: 1q21.3.
Variant type: single nucleotide variant.
Coding change: c.1785+3A>G on transcript NM_001111.5 (MANE Select); 3 bases into the intron after coding-DNA position 1785, A replaced by G.
Molecular consequence: intron variant.
Genome position (GRCh38, 1-based): chr1:154,598,399, T>C on the plus strand (A>G on the coding strand, the complement: ADAR is on the minus strand). VCF-style: chr1-154598399-T-C. GRCh37 (hg19) VCF-style: chr1-154570875-T-C.
Other names: c.900+3A>G (NM_001365046.1, NM_001025107.3, NM_001365048.1 and 3 more transcripts); c.1812+3A>G (NM_001365045.1); c.1785+3A>G (NM_015841.4, NM_015840.4).
Identifiers: ClinVar variation 2090065 (VCV002090065.5), dbSNP rs2526611744, ClinGen allele CA2573912047.

ClinVar aggregate classification (germline): Uncertain significance. Review status: criteria provided, multiple submitters, no conflicts (2 of 4 stars). 2 submissions from 2 submitters: Uncertain significance (2). Last evaluated 2022-08-23.

Conditions:
Aicardi-Goutieres syndrome 6 (AGS6). Identifiers: Orphanet 51, MedGen C3539013, MONDO:0014007, OMIM 615010.
Symmetrical dyschromatosis of extremities (DSH). Also called: DYSCHROMATOSIS SYMMETRICA HEREDITARIA 1; RETICULATE ACROPIGMENTATION OF DOHI; SYMMETRIC DYSCHROMATOSIS OF THE EXTREMITIES; Dyschromatosis symmetrica hereditaria. Identifiers: Orphanet 41, MedGen C0406775, MONDO:0007483, OMIM 127400.

Submissions (2):

Labcorp Genetics (formerly Invitae), Labcorp
Classification: Uncertain significance for Aicardi-Goutieres syndrome 6; Symmetrical dyschromatosis of extremities. Last evaluated: 2022-08-23. Review status: criteria provided, single submitter. Criteria: Invitae Variant Classification Sherloc (09022015). Collection method: clinical testing. Allele origin: germline.
Comment: Variants that disrupt the consensus splice site are a relatively common cause of aberrant splicing (PMID: 17576681, 9536098). Algorithms developed to predict the effect of sequence changes on RNA splicing suggest that this variant is not likely to affect RNA splicing. This sequence change falls in intron 3 of the ADAR gene. It does not directly change the encoded amino acid sequence of the ADAR protein. It affects a nucleotide within the consensus splice site. This variant is not present in population databases (gnomAD no frequency). This variant has not been reported in the literature in individuals affected with ADAR-related conditions. In summary, the available evidence is currently insufficient to determine the role of this variant in disease. Therefore, it has been classified as a Variant of Uncertain Significance.

Blueprint Genetics
Classification: Uncertain significance. Last evaluated: 2021-06-22. Review status: criteria provided, single submitter. Criteria: ACMG Guidelines, 2015. Collection method: clinical testing. Allele origin: germline.

Literature cited by the submitters: PubMed 17576681 (cited by Labcorp Genetics (formerly Invitae), Labcorp); PubMed 9536098 (cited by Labcorp Genetics (formerly Invitae), Labcorp).